The following is an entry in ClinVar:

ClinVar aggregate classification (germline): Uncertain significance (1 of 4 stars; one submission).

Conditions:
Idiopathic generalized epilepsy. Also called: Generalised epilepsy; EIG. Identifiers: MedGen C0270850, MONDO:0005579, OMIM 600669.
Hyperaldosteronism, familial, type IV (HALD4). Also called: FH IV; ALDOSTERONISM, PRIMARY, AND HYPERTENSION. Identifiers: Orphanet 642671, MedGen C4310756, MONDO:0014875, OMIM 617027.

Allele frequency attached by ClinVar (database versions not stated): TOPMed 0.00002; gnomAD 0.00003.
gnomAD v4.1: 12 of 1,456,978 alleles (0.00082%); highest among the groups gnomAD compares: African/African-American, 0.003%; no homozygotes.

Submission:

Labcorp Genetics (formerly Invitae), Labcorp
Classification: Uncertain significance for Idiopathic generalized epilepsy; Hyperaldosteronism, familial, type IV. Last evaluated: 2021-07-29. Review status: criteria provided, single submitter. Criteria: Invitae Variant Classification Sherloc (09022015). Collection method: clinical testing. Allele origin: germline.
Comment: In summary, the available evidence is currently insufficient to determine the role of this variant in disease. Therefore, it has been classified as a Variant of Uncertain Significance. Advanced modeling of protein sequence and biophysical properties (such as structural, functional, and spatial information, amino acid conservation, physicochemical variation, residue mobility, and thermodynamic stability) performed at Invitae indicates that this missense variant is not expected to disrupt CACNA1H protein function. This variant has not been reported in the literature in individuals affected with CACNA1H-related conditions. This variant is not present in population databases (ExAC no frequency). This sequence change replaces threonine with asparagine at codon 2050 of the CACNA1H protein (p.Thr2050Asn). The threonine residue is weakly conserved and there is a small physicochemical difference between threonine and asparagine.

NM_021098.3(CACNA1H):c.6149C>A (p.Thr2050Asn)

Gene: CACNA1H (calcium voltage-gated channel subunit alpha1 H; plus strand). Cytogenetic location: 16p13.3.
Variant type: single nucleotide variant.
Coding change: c.6149C>A on transcript NM_021098.3 (MANE Select); coding-DNA position 6149, C replaced by A.
Protein change: p.Thr2050Asn; replaces threonine 2050 with asparagine.
Molecular consequence: missense variant.
Genome position (GRCh38, 1-based): chr16:1,220,081, C>A. VCF-style: chr16-1220081-C-A. GRCh37 (hg19) VCF-style: chr16-1270081-C-A.
Other names: c.6131C>A, p.Thr2044Asn (NM_001005407.2); short protein forms T2044N, T2050N.
Identifiers: ClinVar variation 1384553 (VCV001384553.6), dbSNP rs949519905, ClinGen allele CA276613732.
Genomic context (GRCh38, chr16:1,220,081, plus strand): 5'-GCCCTAGGGACACCCTGGATCCTGCAGAGCCTGGTGAGAAAACCCCGGTGAGGCCGGTGA[C>A]CCAGGGGGGCTCCCTGCAGTCCCCACCACGCTCCCCACGGCCCGCCAGCGTCCGCACTCG-3'
Protein context (NP_066921.2, residues 2040-2060): PGEKTPVRPV[Thr2050Asn]QGGSLQSPPR